The following is an entry in ClinVar:

ClinVar aggregate classification (germline): Benign (1 of 4 stars; one submission).

Conditions:
Leigh syndrome (NULS). Also called: Leigh's necrotizing encephalopathy; Leigh's disease; Leigh Syndrome (mtDNA deletion); Leigh Disease; Subacute necrotizing encephalopathy; Necrotizing encephalopathy infantile subacute of Leigh. Identifiers: Orphanet 506, MedGen C2931891, MONDO:0009723, OMIM 256000.

Submission:

Wong Mito Lab, Molecular and Human Genetics, Baylor College of Medicine
Classification: Benign for Leigh syndrome. Last evaluated: 2019-10-17. Review status: criteria provided, single submitter. Criteria: Modified ACMG Guidelines (Unpublished). Collection method: clinical testing. Allele origin: germline.
Comment: The NC_012920.1:m.8027G>A (YP_003024029.1:p.Ala148Thr) variant in MTCO2 gene is interpretated to be a Benign variant based on the modified ACMG guidelines (unpublished). This variant meets the following evidence codes: BA1

NC_012920.1(MT-CO2):m.8027G>A

Gene: MT-CO2 (mitochondrially encoded cytochrome c oxidase II; plus strand).
Variant type: single nucleotide variant.
Genome position: chrM-8027-G-A.
Identifiers: ClinVar variation 692812 (VCV000692812.1), dbSNP rs1116904, ClinGen allele CA337097766.
Genomic context (GRCh38, chrMT:8,027, plus strand): 5'-CTAGAACCAGGCGACCTGCGACTCCTTGACGTTGACAATCGAGTAGTACTCCCGATTGAA[G>A]CCCCCATTCGTATAATAATTACATCACAAGACGTCTTGCACTCATGAGCTGTCCCCACAT-3'